The following is an entry in ClinVar:

NM_015102.5(NPHP4):c.3895G>A (p.Gly1299Ser)

Gene: NPHP4 (nephrocystin 4; minus strand). Cytogenetic location: 1p36.31.
Variant type: single nucleotide variant.
Coding change: c.3895G>A on transcript NM_015102.5 (MANE Select); coding-DNA position 3895, G replaced by A.
Protein change: p.Gly1299Ser; replaces glycine 1299 with serine.
Molecular consequence: missense variant. On other transcripts: non-coding transcript variant (1).
Genome position (GRCh38, 1-based): chr1:5,864,439, C>T on the plus strand (G>A on the coding strand, the complement: NPHP4 is on the minus strand). VCF-style: chr1-5864439-C-T. GRCh37 (hg19) VCF-style: chr1-5924499-C-T.
Other names: c.2356G>A, p.Gly786Ser (NM_001291593.2); c.2359G>A, p.Gly787Ser (NM_001291594.2); c.3895G>A (NM_015102.3, NM_015102.4); short protein forms G1299S, G786S, G787S.
Identifiers: ClinVar variation 1484412 (VCV001484412.11), dbSNP rs371368653, ClinGen allele CA553426.

ClinVar aggregate classification (germline): Uncertain significance. Review status: criteria provided, multiple submitters, no conflicts (2 of 4 stars). 4 submissions from 4 submitters: Uncertain significance (3). 1 of the submissions does not count toward it. Last evaluated 2025-09-08.

Conditions:
NPHP4-related disorder. Also called: NPHP4-related disorders; NPHP4-related condition. Identifiers: MedGen CN239384.
Inborn genetic diseases. Identifiers: MedGen C0950123, MeSH D030342.
Nephronophthisis. Also called: Juvenile Nephronophthisis. Identifiers: Orphanet 655, MedGen C0687120, MONDO:0019005, HP:0000090.
Nephronophthisis 4 (NPHP4). Also called: NEPHRONOPHTHISIS 4, JUVENILE. Identifiers: Orphanet 655, MedGen C1847013, MONDO:0011752, OMIM 606966.
Senior-Loken syndrome 4 (SLSN4). Identifiers: Orphanet 3156, MedGen C1846979, MONDO:0011756, OMIM 606996.

Allele frequency attached by ClinVar (database versions not stated): gnomAD 0.00010; TOPMed 0.00012; gnomAD exomes 0.00013 and 0.00019; ExAC 0.00014; 1000 Genomes Project 0.00020; ESP Exome Variant Server 0.00024; 1000 Genomes Project 30x 0.00031.
gnomAD v4.1: 288 of 1,608,414 alleles (0.018%); highest among the groups gnomAD compares: Non-Finnish European, 0.022%; no homozygotes.

Submissions (4):

Labcorp Genetics (formerly Invitae), Labcorp
Classification: Uncertain significance for Nephronophthisis. Last evaluated: 2025-09-08. Review status: criteria provided, single submitter. Criteria: Invitae Variant Classification Sherloc (09022015). Collection method: clinical testing. Allele origin: germline.
Comment: This sequence change replaces glycine, which is neutral and non-polar, with serine, which is neutral and polar, at codon 1299 of the NPHP4 protein (p.Gly1299Ser). This variant is present in population databases (rs371368653, gnomAD 0.02%). This variant has not been reported in the literature in individuals affected with NPHP4-related conditions. ClinVar contains an entry for this variant (Variation ID: 1484412). Invitae Evidence Modeling of protein sequence and biophysical properties (such as structural, functional, and spatial information, amino acid conservation, physicochemical variation, residue mobility, and thermodynamic stability) indicates that this missense variant is expected to disrupt NPHP4 protein function with a positive predictive value of 80%. In summary, the available evidence is currently insufficient to determine the role of this variant in disease. Therefore, it has been classified as a Variant of Uncertain Significance.

Fulgent Genetics
Classification: Uncertain significance for Nephronophthisis 4; Senior-Loken syndrome 4. Last evaluated: 2024-04-17. Review status: criteria provided, single submitter. Criteria: ACMG Guidelines, 2015. Collection method: clinical testing. Allele origin: germline.

Ambry Genetics
Classification: Uncertain significance for Inborn genetic diseases. Last evaluated: 2023-05-23. Review status: criteria provided, single submitter. Criteria: Ambry Variant Classification Scheme 2023. Collection method: clinical testing. Allele origin: germline.

PreventionGenetics, part of Exact Sciences
Classification: Uncertain significance for NPHP4-related condition. Last evaluated: 2024-04-12. Review status: no assertion criteria provided. Collection method: clinical testing. Allele origin: germline. Not counted in ClinVar's aggregate classification.
Comment: The NPHP4 c.3895G>A variant is predicted to result in the amino acid substitution p.Gly1299Ser. To our knowledge, this variant has not been reported in the literature. This variant is reported in 0.024% of alleles in individuals of European (Non-Finnish) descent in gnomAD. At this time, the clinical significance of this variant is uncertain due to the absence of conclusive functional and genetic evidence.